The following is an entry in ClinVar:

ClinVar aggregate classification (germline): Pathogenic/Likely pathogenic. Review status: criteria provided, multiple submitters, no conflicts (2 of 4 stars). 11 submissions from 9 submitters: Pathogenic (2); Likely pathogenic (7). 2 of the submissions do not count toward it. Last evaluated 2026-04-30.

Conditions:
Autosomal recessive nonsyndromic hearing loss 18A. Also called: Deafness, autosomal recessive 18A; DEAFNESS, AUTOSOMAL RECESSIVE 18. Identifiers: Orphanet 90636, MedGen C1865870, MONDO:0011192, OMIM 602092.
Usher syndrome type 1C. Also called: USHER SYNDROME, TYPE I, ACADIAN VARIETY. Identifiers: Orphanet 231169, Orphanet 886, MedGen C1848604, MONDO:0010171, OMIM 276904.
Usher syndrome type 1 (USH1). Also called: RETINITIS PIGMENTOSA AND CONGENITAL DEAFNESS. Identifiers: Orphanet 231169, Orphanet 886, MedGen C1568247, MONDO:0010168, OMIM 276900.

Allele frequency attached by ClinVar (database versions not stated): TOPMed 0.00001; gnomAD 0.00006.
gnomAD v4.1: 26 of 1,614,056 alleles (0.0016%); highest among the groups gnomAD compares: East Asian, 0.0067%; no homozygotes.

Submissions (11):

Laboratory of Molecular, Cellular and Translation Genetics in Otolaryngology/ Lim32-hcfmusp, University of Sao Paulo School of Medicine Clinics Hospital
Classification: Likely pathogenic for Autosomal recessive nonsyndromic hearing loss 18A. Last evaluated: 2026-04-30. Review status: criteria provided, single submitter. Criteria: ACMG Guidelines, 2015. Collection method: research. Allele origin: germline. Affected: yes.
Comment: NM_153676.4:c.308G>A:p.(Arg103His). This variant has been classified as likely pathogenic. It is rare in population databases (PM2_supporting). It has been repeatedly reported in trans with other pathogenic USH1C variants (PM3_strong) and has been shown to segregate with disease in affected families (PP1). Overall, these findings support the causative role of this variant in the proband, most consistent with autosomal recessive hearing loss, with the possibility of an evolving syndromic phenotype as described in PMID: 42233699.

Labcorp Genetics (formerly Invitae), Labcorp
Classification: Pathogenic. Last evaluated: 2025-11-02. Review status: criteria provided, single submitter. Criteria: Invitae Variant Classification Sherloc (09022015). Collection method: clinical testing. Allele origin: germline.
Comment: This sequence change replaces arginine, which is basic and polar, with histidine, which is basic and polar, at codon 103 of the USH1C protein (p.Arg103His). This variant is present in population databases (rs397514500, gnomAD 0.008%). This missense change has been observed in individual(s) with Usher syndrome (PMID: 16679490, 21487335, 21569298). In at least one individual the data is consistent with being in trans (on the opposite chromosome) from a pathogenic variant. It has also been observed to segregate with disease in related individuals. ClinVar contains an entry for this variant (Variation ID: 39427). An algorithm developed to predict the effect of missense changes on protein structure and function (PolyPhen-2) suggests that this variant is likely to be disruptive. Experimental studies have shown that this missense change affects USH1C function (PMID: 20142502). For these reasons, this variant has been classified as Pathogenic.

Natera, Inc.
Classification: Likely pathogenic for Usher syndrome type 1C. Last evaluated: 2025-06-24. Review status: criteria provided, single submitter. Criteria: Natera Variant Classification Schema (03/2026). Collection method: clinical testing. Allele origin: germline.
Comment: The c.308G>A variant in USH1C is a missense variant predicted to cause substitution of arginine to histidine at amino acid 103. This variant is rare in the general population with a frequency below the threshold expected for the associated phenotype(s). This variant has been observed in one or more individuals affected with the associated recessive disease, as either homozygous or compound heterozygous with a second variant (PMID: 36284460, 16679490, 21487335). Additionally, this variant has been observed to segregate in affected family members (PMID: 21487335). Computational prediction algorithms indicate this variant is likely to affect gene or protein function. Given the available evidence, this variant is classified as Likely Pathogenic.

Baylor Genetics
Classification: Pathogenic for Autosomal recessive nonsyndromic hearing loss 18A. Last evaluated: 2023-09-20. Review status: criteria provided, single submitter. Criteria: ACMG Guidelines, 2015. Collection method: clinical testing. Allele origin: unknown.

3billion
Classification: Likely pathogenic for Usher syndrome type 1C. Last evaluated: 2023-07-25. Review status: criteria provided, single submitter. Criteria: ACMG Guidelines, 2015. Collection method: clinical testing. Allele origin: germline. Affected: yes.
Comment: The variant is observed at an extremely low frequency in the gnomAD v2.1.1 dataset (total allele frequency: 0.001%). Predicted Consequence/Location: Protein truncation variants are a common disease-causing mechanism. In silico tool predictions suggest the damaging effect of the variant on the gene or gene product (REVEL: 0.58; 3Cnet: 0.91). The same nucleotide change resulting in the same amino acid change has been previously reported as pathogenic/likely pathogenic with strong evidence (ClinVar ID: VCV000039427 /PMID: 16679490). A different missense change at the same codon (p.Arg103Cys) has been reported to be associated with USH1C-related disorder (PMID: 24498627). However, the evidence of pathogenicity is insufficient at this time. Therefore, this variant is classified as Likely pathogenic according to the recommendation of ACMG/AMP guideline.

Genomic Research Center, Shahid Beheshti University of Medical Sciences
Classification: Likely pathogenic for Usher syndrome type 1C. Last evaluated: 2018-03-05. Review status: criteria provided, single submitter. Criteria: ACMG Guidelines, 2015. Collection method: clinical testing. Allele origin: inherited. Affected: yes. Observed: 1 variant allele.

Genomic Research Center, Shahid Beheshti University of Medical Sciences
Classification: Likely pathogenic for Autosomal recessive nonsyndromic hearing loss 18A. Last evaluated: 2018-03-05. Review status: criteria provided, single submitter. Criteria: ACMG Guidelines, 2015. Collection method: clinical testing. Allele origin: inherited. Affected: yes. Observed: 1 variant allele.

Genomic Research Center, Shahid Beheshti University of Medical Sciences
Classification: Likely pathogenic for Usher syndrome type 1. Last evaluated: 2018-03-05. Review status: criteria provided, single submitter. Criteria: ACMG Guidelines, 2015. Collection method: clinical testing. Allele origin: inherited. Affected: yes. Observed: 1 variant allele.

Juno Genomics, Hangzhou Juno Genomics, Inc
Classification: Likely pathogenic for Autosomal recessive nonsyndromic hearing loss 18A; Usher syndrome type 1C. Review status: criteria provided, single submitter. Criteria: ACMG Guidelines, 2015. Collection method: clinical testing. Allele origin: germline.
Comment: Absent from controls (or at extremely low frequency if recessive) in Genome Aggregation Database.;For recessive disorders, detected in trans with a pathogenic variant.;Co-segregation with disease in multiple affected family members.

Counsyl
Classification: Uncertain significance for Usher syndrome type 1C; Autosomal recessive nonsyndromic hearing loss 18A. Last evaluated: 2017-04-27. Review status: no assertion criteria provided. Collection method: clinical testing. Allele origin: unknown. Not counted in ClinVar's aggregate classification.

OMIM
Classification: Pathogenic for USHER SYNDROME, TYPE IC. Last evaluated: 2011-09-01. Review status: no assertion criteria provided. Collection method: literature only. Allele origin: germline. Not counted in ClinVar's aggregate classification.

Literature cited by the submitters: PubMed 21569298 (cited by 3 submitters); PubMed 21487335 (cited by 5 submitters); PubMed 16679490 (cited by 6 submitters); PubMed 20142502 (cited by 3 submitters); PubMed 22135276 (cited by Laboratory of Molecular, Cellular and Translation Genetics in Otolaryngology/ Lim32-hcfmusp, University of Sao Paulo School of Medicine Clinics Hospital and Counsyl); PubMed 42233699 (cited by Laboratory of Molecular, Cellular and Translation Genetics in Otolaryngology/ Lim32-hcfmusp, University of Sao Paulo School of Medicine Clinics Hospital); PubMed 36284460 (cited by Natera, Inc.); PubMed 24498627 (cited by 3billion).

NM_153676.4(USH1C):c.308G>A (p.Arg103His)

Gene: USH1C (USH1 protein network component harmonin; minus strand). Cytogenetic location: 11p15.1.
Variant type: single nucleotide variant.
Coding change: c.308G>A on transcript NM_153676.4 (MANE Select); coding-DNA position 308, G replaced by A.
Protein change: p.Arg103His; replaces arginine 103 with histidine.
Molecular consequence: missense variant. On other transcripts: non-coding transcript variant (1).
Genome position (GRCh38, 1-based): chr11:17,531,233, C>T on the plus strand (G>A on the coding strand, the complement: USH1C is on the minus strand). VCF-style: chr11-17531233-C-T. GRCh37 (hg19) VCF-style: chr11-17552780-C-T.
Other names: c.308G>A, p.Arg103His (NM_001297764.2, NM_005709.4); short protein forms R103H.
Identifiers: ClinVar variation 39427 (VCV000039427.26), dbSNP rs397514500, ClinGen allele CA261116.
Genomic context (GRCh38, chr11:17,531,233, plus strand): 5'-GCCTGACCGCCTTTGATGAGGTGGGAGATGAAGAGCCCACAGCCAAACTCCAGGCCACCA[C>T]GCACACTCAGGCCGAGGCCTTCGGGGTGCAGACGGTCCAGACGCACCTCCTTCAGCTTCC-3'
Protein context (NP_710142.1, residues 93-113): LHPEGLGLSV[Arg103His]GGLEFGCGLF